The following is an entry in ClinVar:

ClinVar aggregate classification (germline): Likely pathogenic (1 of 4 stars; one submission).

Conditions:
Propionic acidemia (PROP). Also called: GLYCINEMIA, KETOTIC; HYPERGLYCINEMIA WITH KETOACIDOSIS AND LEUKOPENIA; KETOTIC HYPERGLYCINEMIA. Identifiers: Orphanet 35, MedGen C0268579, MONDO:0011628, OMIM 606054, HP:0003571.

Submission:

Myriad Genetics, Inc.
Classification: Likely pathogenic for Propionic acidemia. Last evaluated: 2022-03-08. Review status: criteria provided, single submitter. Criteria: Myriad Women's Health Autosomal Recessive and X-Linked Classification Criteria (2021). Collection method: clinical testing. Allele origin: unknown.
Comment: NM_000282.3(PCCA):c.971_974delCCAG(A324Efs*3) is expected to be pathogenic in the context of PCCA-related propionic acidemia. This variant is predicted to lead to an abnormal or absent protein product due to the creation of a premature termination codon in PCCA, a gene where loss-of-function variants are known to be pathogenic. Please note: this variant was assessed in the context of healthy population screening.

NM_000282.4(PCCA):c.971_974del (p.Ala324fs)

Gene: PCCA (propionyl-CoA carboxylase subunit alpha; plus strand). Cytogenetic location: 13q32.3.
Variant type: Deletion.
Coding change: c.971_974del on transcript NM_000282.4 (MANE Select); coding-DNA positions 971 to 974, 4 bases deleted (CCAG; older notation c.971_974delCCAG).
Protein change: p.Ala324fs; shifts the reading frame from alanine 324.
Molecular consequence: frameshift variant. On other transcripts: non-coding transcript variant (5).
Genome position (GRCh38, 1-based): chr13:100,273,252-100,273,255, CCAG deleted; deleting any 4 consecutive bases within chr13:100,273,251-100,273,255 gives the same sequence; the c. name uses the placement nearest the transcript's 3' end. VCF-style (leftmost placement, unchanged base first): chr13-100273250-TGCCA-T. GRCh37 (hg19) VCF-style: chr13-100925504-TGCCA-T.
Other names: c.893_896del, p.Ala298fs (NM_001127692.3, NM_001352607.2, NM_001352608.2); c.971_974del, p.Ala324fs (NM_001178004.2, NM_001352605.2, NM_001352606.2 and 1 more transcripts); c.26_29del, p.Ala9fs (NM_001352610.2, NM_001352611.2, NM_001352612.2); short protein forms A298fs, A324fs, A9fs.
Identifiers: ClinVar variation 1725125 (VCV001725125.2), dbSNP rs2547977385, ClinGen allele CA2580086997.